The following continues an entry in ClinVar:

NM_007194.4(CHEK2):c.663C>G (p.Ile221Met)

Gene: CHEK2. ClinVar aggregate classification (germline): Conflicting classifications of pathogenicity. Uncertain significance (9); Likely benign (4).

Submissions 9 to 14 of 14:

St. Jude Molecular Pathology, St. Jude Children's Research Hospital
Classification: Likely benign for Predisposition to cancer. Last evaluated: 2023-09-14. Review status: criteria provided, single submitter. Criteria: St. Jude Assertion Criteria 2020. Collection method: clinical testing. Allele origin: germline.
Comment: The CHEK2 c.663C>G (p.Ile221Met) missense change has a maximum subpopulation frequency of 0.052% in gnomAD v2.1.1 and a maximum subpopulation frequency of 0.096% in gnomAD v3.2.1. The in silico tool REVEL predicts a benign effect on protein function and functional studies are in agreement with this prediction. A yeast-based growth assay indicated that this variant behaved similar to the wild-type (PMID: 30851065) and CHEK2-complementation assays quantifying KAP1 phosphorylation and CHK2 autophosphorylation in human RPE1-CHEK2-knockout cells also indicated that this variant behaved similar to wild-type (PMID: 37449874). In summary, this variant meets criteria to be classified as likely benign.

Myriad Genetics, Inc.
Classification: Likely benign for Familial cancer of breast. Last evaluated: 2023-03-09. Review status: criteria provided, single submitter. Criteria: Myriad Autosomal Dominant, Autosomal Recessive and X-Linked Classification Criteria (2023). Collection method: clinical testing. Allele origin: unknown.
Comment: This variant is considered likely benign. This variant is strongly associated with less severe personal and family histories of cancer, typical for individuals without pathogenic variants in this gene [PMID: 25085752].

Department of Pathology and Laboratory Medicine, Sinai Health System
Classification: Uncertain significance for hereditary nonpolyposis colon cancer. Last evaluated: 2022-01-04. Review status: criteria provided, single submitter. Criteria: ACMG Guidelines, 2015. Collection method: clinical testing. Allele origin: germline. Affected: no.

Sema4
Classification: Uncertain significance for Hereditary cancer-predisposing syndrome. Last evaluated: 2021-12-23. Review status: criteria provided, single submitter. Criteria: Sema4 Curation Guidelines. Collection method: curation. Allele origin: germline.
Comment: The CHEK2 c.663C>G (p.I221M) variant has been reported in at least 5 individuals with breast cancer (PMID: 21244692, 26787654, 27153395, 27720647). A yeast growth assay study demonstrated the normal function of the protein (PMID: 30851065). This variant was observed in 12/22912 chromosomes in the African/African American population, according to the Genome Aggregation Database (PMID: 32461654). This variant has been reported in ClinVar (Variation ID:142342). In silico predictions of the variant's effect on protein function are inconclusive. The overall evidence is inconsistent with ACMG/AMP requirements for a classification of benign or pathogenic. In summary, the clinical significance of this variant is currently uncertain.

Ambry Genetics
Classification: Likely benign for Hereditary cancer-predisposing syndrome. Last evaluated: 2020-07-21. Review status: criteria provided, single submitter. Criteria: Ambry Variant Classification Scheme 2023. Collection method: clinical testing. Allele origin: germline.

Counsyl
Classification: Uncertain significance for Familial cancer of breast. Last evaluated: 2017-06-13. Review status: no assertion criteria provided. Collection method: clinical testing. Allele origin: unknown. Not counted in ClinVar's aggregate classification.

Literature cited by the submitters: PubMed 21244692 (cited by 8 submitters); PubMed 30851065 (cited by 7 submitters); PubMed 37449874 (cited by 4 submitters); PubMed 26787654 (cited by 4 submitters); PubMed 27720647 (cited by 4 submitters); PubMed 32936981 (cited by Quest Diagnostics Nichols Institute San Juan Capistrano and Color Diagnostics, LLC DBA Color Health); PubMed 32832836 (cited by Quest Diagnostics Nichols Institute San Juan Capistrano); PubMed 27153395 (cited by 3 submitters); PubMed 35643632 (cited by Quest Diagnostics Nichols Institute San Juan Capistrano); PubMed 38136308 (cited by Quest Diagnostics Nichols Institute San Juan Capistrano); PubMed 25085752 (cited by Myriad Genetics, Inc.).